The following is an entry in ClinVar:

NM_001042492.3(NF1):c.2660C>G (p.Ala887Gly)

Gene: NF1 (neurofibromin 1; plus strand). Cytogenetic location: 17q11.2.
Variant type: single nucleotide variant.
Coding change: c.2660C>G on transcript NM_001042492.3 (MANE Select); coding-DNA position 2660, C replaced by G.
Protein change: p.Ala887Gly; replaces alanine 887 with glycine.
Molecular consequence: missense variant.
Genome position (GRCh38, 1-based): chr17:31,229,275, C>G. VCF-style: chr17-31229275-C-G. GRCh37 (hg19) VCF-style: chr17-29556293-C-G.
Other names: c.2660C>G, p.Ala887Gly (NM_000267.4); short protein forms A887G.
Identifiers: ClinVar variation 1794443 (VCV001794443.6), dbSNP rs1567849029, ClinGen allele CA398984790.

ClinVar aggregate classification (germline): Conflicting classifications of pathogenicity. Review status: criteria provided, conflicting classifications (1 of 4 stars). 2 submissions from 2 submitters: Uncertain significance (1); Likely benign (1). Last evaluated 2026-07-06.

Conditions:
Cardiovascular phenotype. Identifiers: MedGen CN230736.
Hereditary cancer-predisposing syndrome. Also called: Hereditary Cancer Syndrome; Hereditary neoplastic syndrome; Neoplastic Syndromes, Hereditary; Tumor predisposition. Identifiers: Orphanet 140162, MedGen C0027672, MeSH D009386, MONDO:0015356.
Neurofibromatosis, type 1 (NF1). Also called: VON RECKLINGHAUSEN DISEASE; Peripheral type neurofibromatosis; Neurofibromatosis, type I; NEUROFIBROMATOSIS, TYPE I, SOMATIC. Identifiers: Orphanet 636, MedGen C0027831, MONDO:0018975, OMIM 162200. Disease mechanism: loss of function.

Submissions (2):

Ambry Genetics
Classification: Likely benign for Cardiovascular phenotype; Hereditary cancer-predisposing syndrome. Last evaluated: 2026-07-06. Review status: criteria provided, single submitter. Criteria: Ambry Variant Classification Scheme 2023. Collection method: clinical testing. Allele origin: germline.

Labcorp Genetics (formerly Invitae), Labcorp
Classification: Uncertain significance for Neurofibromatosis, type 1. Last evaluated: 2023-01-20. Review status: criteria provided, single submitter. Criteria: Invitae Variant Classification Sherloc (09022015). Collection method: clinical testing. Allele origin: germline.
Comment: In summary, the available evidence is currently insufficient to determine the role of this variant in disease. Therefore, it has been classified as a Variant of Uncertain Significance. Advanced modeling of protein sequence and biophysical properties (such as structural, functional, and spatial information, amino acid conservation, physicochemical variation, residue mobility, and thermodynamic stability) performed at Invitae indicates that this missense variant is not expected to disrupt NF1 protein function. ClinVar contains an entry for this variant (Variation ID: 1794443). This variant has not been reported in the literature in individuals affected with NF1-related conditions. This variant is not present in population databases (gnomAD no frequency). This sequence change replaces alanine, which is neutral and non-polar, with glycine, which is neutral and non-polar, at codon 887 of the NF1 protein (p.Ala887Gly).